The following is an entry in ClinVar:

ClinVar aggregate classification (germline): Likely benign (1 of 4 stars; one submission).

Allele frequency attached by ClinVar (database versions not stated): gnomAD 0.00001 and 0.00002; ExAC 0.00002; gnomAD exomes 0.00002; TOPMed 0.00002; 1000 Genomes Project 30x 0.00016; 1000 Genomes Project 0.00020.
gnomAD v4.1: 31 of 1,614,104 alleles (0.0019%); highest among the groups gnomAD compares: East Asian, 0.011%; no homozygotes.

Submission:

CeGaT Center for Human Genetics Tuebingen
Classification: Likely benign. Last evaluated: 2022-03-01. Review status: criteria provided, single submitter. Criteria: CeGaT Center For Human Genetics Tuebingen Variant Classification Criteria Version 2. Collection method: clinical testing. Allele origin: germline. Affected: yes. Observed: 1 variant allele.
Comment: PUS7: BP4, BP7

NM_019042.5(PUS7):c.171C>T (p.Asp57=)

Gene: PUS7 (pseudouridine synthase 7; minus strand). Cytogenetic location: 7q22.3.
Variant type: single nucleotide variant.
Coding change: c.171C>T on transcript NM_019042.5 (MANE Select); coding-DNA position 171, C replaced by T.
Protein change: p.Asp57=; no amino-acid change (aspartic acid 57 retained).
Molecular consequence: synonymous variant.
Genome position (GRCh38, 1-based): chr7:105,508,342, G>A on the plus strand (C>T on the coding strand, the complement: PUS7 is on the minus strand). VCF-style: chr7-105508342-G-A. GRCh37 (hg19) VCF-style: chr7-105148789-G-A.
Other names: c.171C>T, p.Asp57= (NM_001318163.1, NM_001318164.2).
Identifiers: ClinVar variation 1676079 (VCV001676079.33), dbSNP rs200993016, ClinGen allele CA4426256.